The following is an entry in ClinVar:

NM_181486.4(TBX5):c.829G>A (p.Glu277Lys)

Gene: TBX5 (T-box transcription factor 5; minus strand). Cytogenetic location: 12q24.21.
Variant type: single nucleotide variant.
Coding change: c.829G>A on transcript NM_181486.4 (MANE Select); coding-DNA position 829, G replaced by A.
Protein change: p.Glu277Lys; replaces glutamic acid 277 with lysine.
Molecular consequence: missense variant.
Genome position (GRCh38, 1-based): chr12:114,366,318, C>T on the plus strand (G>A on the coding strand, the complement: TBX5 is on the minus strand). VCF-style: chr12-114366318-C-T. GRCh37 (hg19) VCF-style: chr12-114804123-C-T.
Other names: c.829G>A, p.Glu277Lys (NM_000192.3); c.679G>A, p.Glu227Lys (NM_080717.4); short protein forms E277K, E227K.
Identifiers: ClinVar variation 1762799 (VCV001762799.5), dbSNP rs369697961, ClinGen allele CA6809490.

ClinVar aggregate classification (germline): Uncertain significance. Review status: criteria provided, multiple submitters, no conflicts (2 of 4 stars). 2 submissions from 2 submitters: Uncertain significance (2). Last evaluated 2025-01-16.

Conditions:
Cardiovascular phenotype. Identifiers: MedGen CN230736.
Aortic valve disease 2 (AOVD2). Identifiers: MedGen C3542024, MONDO:0013902, OMIM 614823.

Allele frequency attached by ClinVar (database versions not stated): gnomAD exomes below 0.00001; ExAC 0.00001; gnomAD 0.00001; TOPMed 0.00002; ESP Exome Variant Server 0.00008.

Submissions (2):

Ambry Genetics
Classification: Uncertain significance for Cardiovascular phenotype. Last evaluated: 2025-01-16. Review status: criteria provided, single submitter. Criteria: Ambry Variant Classification Scheme 2023. Collection method: clinical testing. Allele origin: germline.
Comment: The p.E277K variant (also known as c.829G>A), located in coding exon 7 of the TBX5 gene, results from a G to A substitution at nucleotide position 829. The glutamic acid at codon 277 is replaced by lysine, an amino acid with similar properties. This amino acid position is well conserved in available vertebrate species. In addition, the in silico prediction for this alteration is inconclusive. Since supporting evidence is limited at this time, the clinical significance of this alteration remains unclear.

Labcorp Genetics (formerly Invitae), Labcorp
Classification: Uncertain significance for Aortic valve disease 2. Last evaluated: 2024-11-25. Review status: criteria provided, single submitter. Criteria: Invitae Variant Classification Sherloc (09022015). Collection method: clinical testing. Allele origin: germline.
Comment: This sequence change replaces glutamic acid, which is acidic and polar, with lysine, which is basic and polar, at codon 277 of the TBX5 protein (p.Glu277Lys). This variant is present in population databases (rs369697961, gnomAD 0.007%). This variant has not been reported in the literature in individuals affected with TBX5-related conditions. ClinVar contains an entry for this variant (Variation ID: 1762799). Invitae Evidence Modeling of protein sequence and biophysical properties (such as structural, functional, and spatial information, amino acid conservation, physicochemical variation, residue mobility, and thermodynamic stability) indicates that this missense variant is not expected to disrupt TBX5 protein function with a negative predictive value of 80%. In summary, the available evidence is currently insufficient to determine the role of this variant in disease. Therefore, it has been classified as a Variant of Uncertain Significance.